The following is an entry in ClinVar:

NM_000458.4(HNF1B):c.657C>G (p.Ser219=)

Genes: HNF1B (HNF1 homeobox B; minus strand), LOC126862549 (BRD4-independent group 4 enhancer GRCh37_chr17:36093401-36094600; plus strand). Cytogenetic location: 17q12.
Variant type: single nucleotide variant.
Coding change: c.657C>G on transcript NM_000458.4 (MANE Select); coding-DNA position 657, C replaced by G.
Protein change: p.Ser219=; no amino-acid change (serine 219 retained).
Molecular consequence: synonymous variant.
Genome position (GRCh38, 1-based): chr17:37,733,709, G>C on the plus strand (C>G on the coding strand, the complement: HNF1B is on the minus strand). VCF-style: chr17-37733709-G-C. GRCh37 (hg19) VCF-style: chr17-36093702-G-C.
Other names: c.579C>G, p.Ser193= (NM_001165923.4, NM_001304286.2); c.657C>G (NM_000458.3).
Identifiers: ClinVar variation 500466 (VCV000500466.15), dbSNP rs148713761, ClinGen allele CA8519036.
Genomic context (GRCh38, chr17:37,733,709, plus strand): 5'-CCCCCATTTGAACCGGTTGCGGCGCATCTTCTTGTTGGTGGGCTCAGAGCAGGCATCATC[G>C]GACTGCCCAGGCCCATGGCTCTGTTGACTGAACTCTGGAAAGAGAAACAGCAGCTGATCC-3'
Protein context (NP_000449.1, residues 209-229): FSQQSHGPGQ[Ser219=]DDACSEPTNK

ClinVar aggregate classification (germline): Conflicting classifications of pathogenicity. Review status: criteria provided, conflicting classifications (1 of 4 stars). 3 submissions from 3 submitters: Uncertain significance (1); Likely benign (1). 1 of the submissions does not count toward it. Last evaluated 2025-08-24.

Conditions:
HNF1B-related disorder. Also called: HNF1B-related disorders; HNF1B-related condition.

Allele frequency attached by ClinVar (database versions not stated): TOPMed 0.00007.
gnomAD v4.1: 112 of 1,614,000 alleles (0.0069%); highest among the groups gnomAD compares: Non-Finnish European, 0.0091%; no homozygotes.

Submissions (3):

Labcorp Genetics (formerly Invitae), Labcorp
Classification: Likely benign. Last evaluated: 2025-08-24. Review status: criteria provided, single submitter. Criteria: Invitae Variant Classification Sherloc (09022015). Collection method: clinical testing. Allele origin: germline.

Eurofins Ntd Llc (ga)
Classification: Uncertain significance. Last evaluated: 2018-03-06. Review status: criteria provided, single submitter. Criteria: EGL ClinVar v180209 classification definitions. Collection method: clinical testing. Allele origin: germline. Observed: 2 variant alleles, 2 heterozygotes.

PreventionGenetics, part of Exact Sciences
Classification: Likely benign for HNF1B-related condition. Last evaluated: 2023-12-15. Review status: no assertion criteria provided. Collection method: clinical testing. Allele origin: germline. Not counted in ClinVar's aggregate classification.
Comment: This variant is classified as likely benign based on ACMG/AMP sequence variant interpretation guidelines (Richards et al. 2015 PMID: 25741868, with internal and published modifications).